The following is an entry in ClinVar:

ClinVar aggregate classification (germline): Likely pathogenic (1 of 4 stars; one submission).

Conditions:
Anterior segment dysgenesis 7 (ASGD7). Also called: SCLEROCORNEA WITH OTHER OCULAR ANOMALIES; Anterior segment dysgenesis 7, with sclerocornea. Identifiers: Orphanet 289499, MedGen C3151617, MONDO:0010015, OMIM 269400.

Submission:

Laboratorio de Genetica e Diagnostico Molecular, Hospital Israelita Albert Einstein
Classification: Likely pathogenic for Anterior segment dysgenesis 7. Last evaluated: 2025-11-17. Review status: criteria provided, single submitter. Criteria: ACMG Guidelines, 2015. Collection method: clinical testing. Allele origin: germline. Affected: yes.
Comment: ACMG classification criteria: PVS1 very strong, PM2 supporting

NM_012293.3(PXDN):c.20del (p.Gly7fs)

Gene: PXDN (peroxidasin; minus strand). Cytogenetic location: 2p25.3.
Variant type: Deletion.
Coding change: c.20del on transcript NM_012293.3 (MANE Select); coding-DNA position 20, one base deleted (G; older notation c.20delG).
Protein change: p.Gly7fs; shifts the reading frame from glycine 7.
Molecular consequence: frameshift variant.
Genome position (GRCh38, 1-based): chr2:1,744,436, C deleted on the plus strand (G on the coding strand, the reverse complement: PXDN is on the minus strand); the first of 4 consecutive C bases (chr2:1,744,436-1,744,439); deleting any one gives the same sequence. VCF-style (leftmost placement, unchanged base first): chr2-1744435-GC-G. GRCh37 (hg19) VCF-style: chr2-1748207-GC-G.
Other names: short protein forms G7fs.
Identifiers: ClinVar variation 4846916 (VCV004846916.1).